The following is an entry in ClinVar:

NM_002816.5(PSMD12):c.635A>G (p.Lys212Arg)

Gene: PSMD12 (proteasome 26S subunit, non-ATPase 12; minus strand). Cytogenetic location: 17q24.2.
Variant type: single nucleotide variant.
Coding change: c.635A>G on transcript NM_002816.5 (MANE Select); coding-DNA position 635, A replaced by G.
Protein change: p.Lys212Arg; replaces lysine 212 with arginine.
Molecular consequence: missense variant.
Genome position (GRCh38, 1-based): chr17:67,347,361, T>C on the plus strand (A>G on the coding strand, the complement: PSMD12 is on the minus strand). VCF-style: chr17-67347361-T-C. GRCh37 (hg19) VCF-style: chr17-65343477-T-C.
Other names: c.458A>G, p.Lys153Arg (NM_001316341.2); c.575A>G, p.Lys192Arg (NM_174871.4); short protein forms K153R, K212R, K192R.
Identifiers: ClinVar variation 2585421 (VCV002585421.1), dbSNP rs758825490, ClinGen allele CA8723715.
Genomic context (GRCh38, chr17:67,347,361, plus strand): 5'-TTTTAAAGTAAACATGTGGTCACAGATATGCTCACCTCTGTATTTTCTTCCTGGAAAAAT[T>C]TGGTGTTAATTTTCTTGCTGATGATTTGTGTTCGAATGTAATCCTTCACAGCTAGGCAGA-3'
Protein context (NP_002807.1, residues 202-222): TQIISKKINT[Lys212Arg]FFQEENTEKL

ClinVar aggregate classification (germline): Uncertain significance (1 of 4 stars; one submission).

Conditions:
Stankiewicz-Isidor syndrome (STISS). Identifiers: MedGen C4479599, MONDO:0054591, OMIM 617516.

Allele frequency attached by ClinVar (database versions not stated): ExAC 0.00001.

Submission:

Neuberg Centre For Genomic Medicine, NCGM
Classification: Uncertain significance for Stankiewicz-Isidor syndrome. Review status: criteria provided, single submitter. Criteria: ACMG Guidelines, 2015. Collection method: clinical testing. Allele origin: germline. Inheritance: Autosomal dominant inheritance. Affected: yes.
Comment: The missense variant c.635A>G (p.Lys212Arg) in PSMD12 gene has not been reported previously as a pathogenic variant nor as a benign variant, to our knowledge. The p.Lys212Arg variant is novel (not in any individuals) in 1000 Genomes and allele frequency of 0.00001592% is reported in gnomAD. The amino acid Lys at position 212 is changed to a Arg changing protein sequence and it might alter its composition and physico-chemical properties. In silico tools predict the variant to be tolerated. The residue is conserved across species. The amino acid change p.Lys212Arg in PSMD12 is predicted as conserved by GERP++ and PhyloP across 100 vertebrates. For these reasons, this variant has been classified as Uncertain Significance .